The following is an entry in ClinVar:

ClinVar aggregate classification (germline): Uncertain significance. Review status: criteria provided, multiple submitters, no conflicts (2 of 4 stars). 3 submissions from 3 submitters: Uncertain significance (3). Last evaluated 2025-07-24.

Conditions:
Hereditary cancer-predisposing syndrome. Also called: Tumor predisposition; Hereditary Cancer Syndrome; Neoplastic Syndromes, Hereditary; Hereditary neoplastic syndrome. Identifiers: Orphanet 140162, MedGen C0027672, MeSH D009386, MONDO:0015356.
Neuroblastoma, susceptibility to, 3. Also called: ALK-Related Neuroblastic Tumor Susceptibility. Identifiers: Orphanet 635, MedGen C2751681, MONDO:0013083, OMIM 613014.

Allele frequency attached by ClinVar (database versions not stated): TOPMed 0.00001.
gnomAD v4.1: 4 of 1,614,044 alleles (0.00025%); highest among the groups gnomAD compares: Non-Finnish European, 0.00034%; no homozygotes.

Submissions (3):

Labcorp Genetics (formerly Invitae), Labcorp
Classification: Uncertain significance for Neuroblastoma, susceptibility to, 3. Last evaluated: 2025-07-24. Review status: criteria provided, single submitter. Criteria: Invitae Variant Classification Sherloc (09022015). Collection method: clinical testing. Allele origin: germline.
Comment: This sequence change replaces serine, which is neutral and polar, with arginine, which is basic and polar, at codon 810 of the ALK protein (p.Ser810Arg). This variant is present in population databases (rs150292405, gnomAD 0.0009%). This variant has not been reported in the literature in individuals affected with ALK-related conditions. ClinVar contains an entry for this variant (Variation ID: 1017010). An algorithm developed to predict the effect of missense changes on protein structure and function (PolyPhen-2) suggests that this variant is likely to be disruptive. In summary, the available evidence is currently insufficient to determine the role of this variant in disease. Therefore, it has been classified as a Variant of Uncertain Significance.

Ambry Genetics
Classification: Uncertain significance for Hereditary cancer-predisposing syndrome. Last evaluated: 2025-05-30. Review status: criteria provided, single submitter. Criteria: Ambry Variant Classification Scheme 2023. Collection method: clinical testing. Allele origin: germline.
Comment: The p.S810R variant (also known as c.2430C>G), located in coding exon 14 of the ALK gene, results from a C to G substitution at nucleotide position 2430. The serine at codon 810 is replaced by arginine, an amino acid with dissimilar properties. This amino acid position is highly conserved in available vertebrate species. In addition, the in silico prediction for this alteration is inconclusive. Based on the available evidence, the clinical significance of this variant remains unclear.

Baylor Genetics
Classification: Uncertain significance for Neuroblastoma, susceptibility to, 3. Last evaluated: 2023-08-17. Review status: criteria provided, single submitter. Criteria: ACMG Guidelines, 2015. Collection method: clinical testing. Allele origin: unknown.

NM_004304.5(ALK):c.2430C>G (p.Ser810Arg)

Gene: ALK (ALK receptor tyrosine kinase; minus strand). Cytogenetic location: 2p23.2.
Variant type: single nucleotide variant.
Coding change: c.2430C>G on transcript NM_004304.5 (MANE Select); coding-DNA position 2430, C replaced by G.
Protein change: p.Ser810Arg; replaces serine 810 with arginine.
Molecular consequence: missense variant.
Genome position (GRCh38, 1-based): chr2:29,233,622, G>C on the plus strand (C>G on the coding strand, the complement: ALK is on the minus strand). VCF-style: chr2-29233622-G-C. GRCh37 (hg19) VCF-style: chr2-29456488-G-C.
Other names: c.2430C>G (NM_004304.4); short protein forms S810R.
Identifiers: ClinVar variation 1017010 (VCV001017010.10), dbSNP rs150292405, ClinGen allele CA1594316.
Genomic context (GRCh38, chr2:29,233,622, plus strand): 5'-TACCTTAAATACGTAGGTGGCTCCACCCCCTCCTCCTCCGCCTCCTGCCCACTCATGCAC[G>C]CTTCTGTTCACACGGATTTCTTCTTCTATCACATTGTTCTCTCCAATGCAGACTTTCTGG-3'
Protein context (NP_004295.2, residues 800-820): VIEEEIRVNR[Ser810Arg]VHEWAGGGGG